The following is an entry in ClinVar:

NM_025257.3(SLC44A4):c.1892G>T (p.Ser631Ile)

Gene: SLC44A4 (solute carrier family 44 member 4; minus strand). Cytogenetic location: 6p21.33.
Variant type: single nucleotide variant.
Coding change: c.1892G>T on transcript NM_025257.3 (MANE Select); coding-DNA position 1892, G replaced by T.
Protein change: p.Ser631Ile; replaces serine 631 with isoleucine.
Molecular consequence: missense variant.
Genome position (GRCh38, 1-based): chr6:31,864,850, C>A on the plus strand (G>T on the coding strand, the complement: SLC44A4 is on the minus strand). VCF-style: chr6-31864850-C-A. GRCh37 (hg19) VCF-style: chr6-31832627-C-A.
Other names: c.1766G>T, p.Ser589Ile (NM_001178044.2); c.1664G>T, p.Ser555Ile (NM_001178045.2); short protein forms S555I, S589I, S631I.
Identifiers: ClinVar variation 3609757 (VCV003609757.2).

ClinVar aggregate classification (germline): Uncertain significance (1 of 4 stars; one submission).

gnomAD v4.1: 11 of 1,613,872 alleles (0.00068%); highest among the groups gnomAD compares: Non-Finnish European, 0.00093%; no homozygotes.

Submission:

Labcorp Genetics (formerly Invitae), Labcorp
Classification: Uncertain significance. Last evaluated: 2024-07-17. Review status: criteria provided, single submitter. Criteria: Invitae Variant Classification Sherloc (09022015). Collection method: clinical testing. Allele origin: germline.
Comment: This sequence change replaces serine, which is neutral and polar, with isoleucine, which is neutral and non-polar, at codon 631 of the SLC44A4 protein (p.Ser631Ile). This variant is present in population databases (rs775561783, gnomAD 0.004%). This variant has not been reported in the literature in individuals affected with SLC44A4-related conditions. An algorithm developed to predict the effect of missense changes on protein structure and function (PolyPhen-2) suggests that this variant is likely to be disruptive. In summary, the available evidence is currently insufficient to determine the role of this variant in disease. Therefore, it has been classified as a Variant of Uncertain Significance.